The following is an entry in ClinVar:

NM_005633.4(SOS1):c.1642A>G (p.Ser548Gly)

Gene: SOS1 (SOS Ras/Rac guanine nucleotide exchange factor 1; minus strand). Cytogenetic location: 2p22.1.
Variant type: single nucleotide variant.
Coding change: c.1642A>G on transcript NM_005633.4 (MANE Select); coding-DNA position 1642, A replaced by G.
Protein change: p.Ser548Gly; replaces serine 548 with glycine.
Molecular consequence: missense variant.
Genome position (GRCh38, 1-based): chr2:39,022,786, T>C on the plus strand (A>G on the coding strand, the complement: SOS1 is on the minus strand). VCF-style: chr2-39022786-T-C. GRCh37 (hg19) VCF-style: chr2-39249927-T-C.
Other names: c.1621A>G, p.Ser541Gly (NM_001382394.1); c.1642A>G, p.Ser548Gly (NM_001382395.1); short protein forms S541G, S548G.
Identifiers: ClinVar variation 3384058 (VCV003384058.1).

ClinVar aggregate classification (germline): Likely pathogenic (1 of 4 stars; one submission).

Conditions:
Noonan syndrome 4 (NS4). Also called: SOS1-Related Noonan Syndrome; NOONAN SYNDROME WITH PIGMENTED VILLONODULAR SYNOVITIS. Identifiers: Orphanet 648, MedGen C1853120, MONDO:0012547, OMIM 610733.

Submission:

Dubai Health Genomic Medicine Center, Dubai Health
Classification: Likely pathogenic for Noonan syndrome 4. Last evaluated: 2024-10-04. Review status: criteria provided, single submitter. Criteria: ACMG Guidelines, 2015. Collection method: research. Allele origin: germline. Affected: yes.
Comment: PM5,PM2,PP3,PM1